The following is an entry in ClinVar:

ClinVar aggregate classification (germline): Uncertain significance (1 of 4 stars; one submission).

Submission:

Ambry Genetics
Classification: Uncertain significance. Last evaluated: 2021-07-09. Review status: criteria provided, single submitter. Criteria: Ambry Variant Classification Scheme 2023. Collection method: clinical testing. Allele origin: germline.
Comment: The p.N1862T variant (also known as c.5585A>C), located in coding exon 6 of the ALPK2 gene, results from an A to C substitution at nucleotide position 5585. The asparagine at codon 1862 is replaced by threonine, an amino acid with similar properties. This amino acid position is conserved. In addition, the in silico prediction for this alteration is inconclusive. Since supporting evidence is limited at this time, the clinical significance of this alteration remains unclear.

NM_052947.4(ALPK2):c.5585A>C (p.Asn1862Thr)

Gene: ALPK2 (alpha kinase 2; minus strand). Cytogenetic location: 18q21.31.
Variant type: single nucleotide variant.
Coding change: c.5585A>C on transcript NM_052947.4 (MANE Select); coding-DNA position 5585, A replaced by C.
Protein change: p.Asn1862Thr; replaces asparagine 1862 with threonine.
Molecular consequence: missense variant.
Genome position (GRCh38, 1-based): chr18:58,523,979, T>G on the plus strand (A>C on the coding strand, the complement: ALPK2 is on the minus strand). VCF-style: chr18-58523979-T-G. GRCh37 (hg19) VCF-style: chr18-56191211-T-G.
Other names: short protein forms N1862T.
Identifiers: ClinVar variation 1748441 (VCV001748441.2), dbSNP rs2518866831, ClinGen allele CA402551267.
Genomic context (GRCh38, chr18:58,523,979, plus strand): 5'-GAAAACTGTGGTTTACCTTCAGCTGTGAGGTTAAATTCAGCAGTCACTTTTCCGTAGCTG[T>G]TCTTGATGCAGCAGTAATAGAGTCCCTGGTCCTTCGGACTGGCTTGCACGATGGCAAAGG-3'
Protein context (NP_443179.3, residues 1852-1872): DQGLYYCCIK[Asn1862Thr]SYGKVTAEFN